The following is an entry in ClinVar:

NM_016213.5(TRIP4):c.1170+4A>G

Gene: TRIP4 (thyroid hormone receptor interactor 4; plus strand). Cytogenetic location: 15q22.31.
Variant type: single nucleotide variant.
Coding change: c.1170+4A>G on transcript NM_016213.5 (MANE Select); 4 bases into the intron after coding-DNA position 1170, A replaced by G.
Molecular consequence: intron variant.
Genome position (GRCh38, 1-based): chr15:64,414,215, A>G. VCF-style: chr15-64414215-A-G. GRCh37 (hg19) VCF-style: chr15-64706414-A-G.
Other names: NC_000015.9:g.64706414A>G; c.480+4A>G (NM_001321924.2); c.1170+4A>G (NM_016213.4).
Identifiers: ClinVar variation 4404563 (VCV004404563.2).

ClinVar aggregate classification (germline): Likely benign (1 of 4 stars; one submission).

Conditions:
TRIP4-related disorder. Also called: TRIP4-related condition; TRIP4-related disorders.

gnomAD v4.1: 62 of 1,613,742 alleles (0.0038%); highest among the groups gnomAD compares: Non-Finnish European, 0.0053%; no homozygotes.

Submissions (2):

PreventionGenetics, part of Exact Sciences
Classification: Likely benign for TRIP4-related condition. Last evaluated: 2025-07-31. Review status: criteria provided, single submitter. Criteria: ACMG Guidelines, 2015. Collection method: clinical testing. Allele origin: germline.
Comment: This variant is classified as likely benign based on ACMG/AMP sequence variant interpretation guidelines (Richards et al. 2015 PMID: 25741868, with internal and published modifications).

Dr. Peter K. Rogan Lab, Western University
No classification provided (evidence only). Condition: Melanoma. Review status: no classification provided. Collection method: in vitro. Allele origin: not applicable. Functional consequence: skipped exon. Not counted in ClinVar's aggregate classification.